The following is an entry in ClinVar:

NM_001478.5(B4GALNT1):c.218G>C (p.Gly73Ala)

Gene: B4GALNT1 (beta-1,4-N-acetyl-galactosaminyltransferase 1; minus strand). Cytogenetic location: 12q13.3.
Variant type: single nucleotide variant.
Coding change: c.218G>C on transcript NM_001478.5 (MANE Select); coding-DNA position 218, G replaced by C.
Protein change: p.Gly73Ala; replaces glycine 73 with alanine.
Molecular consequence: missense variant.
Genome position (GRCh38, 1-based): chr12:57,631,915, C>G on the plus strand (G>C on the coding strand, the complement: B4GALNT1 is on the minus strand). VCF-style: chr12-57631915-C-G. GRCh37 (hg19) VCF-style: chr12-58025698-C-G.
Other names: c.218G>C, p.Gly73Ala (NM_001276468.2, NM_001276469.2, NM_001413967.1 and 11 more transcripts); c.-686G>C (NM_001413981.1, NM_001413982.1, NM_001413983.1 and 1 more transcripts); short protein forms G73A.
Identifiers: ClinVar variation 2129825 (VCV002129825.4), dbSNP rs2540682334, ClinGen allele CA385502285.
Genomic context (GRCh38, chr12:57,631,915, plus strand): 5'-CAAAAGCCCCCAGACCACCCCCAGCGAGCGCTGCGCTGCGCCGCCGCGGTCGGCACTCAC[C>G]CCACTACTTGCTCCTTGATCCTGACCGGGATGTGTGCGTAGCGGGGCTCAGGAGCAAGAT-3'
Protein context (NP_001469.1, residues 63-83): IPVRIKEQVV[Gly73Ala]LLAWNNCSCE

ClinVar aggregate classification (germline): Uncertain significance (1 of 4 stars; one submission).

Conditions:
Spastic paraplegia. Identifiers: MedGen C0037772, HP:0001258.

Submission:

Labcorp Genetics (formerly Invitae), Labcorp
Classification: Uncertain significance for Spastic paraplegia. Last evaluated: 2023-08-17. Review status: criteria provided, single submitter. Criteria: Invitae Variant Classification Sherloc (09022015). Collection method: clinical testing. Allele origin: germline.
Comment: This sequence change replaces glycine, which is neutral and non-polar, with alanine, which is neutral and non-polar, at codon 73 of the B4GALNT1 protein (p.Gly73Ala). This variant also falls at the last nucleotide of exon 2, which is part of the consensus splice site for this exon. This variant is not present in population databases (gnomAD no frequency). This variant has not been reported in the literature in individuals affected with B4GALNT1-related conditions. ClinVar contains an entry for this variant (Variation ID: 2129825). An algorithm developed to predict the effect of missense changes on protein structure and function (PolyPhen-2) suggests that this variant is likely to be tolerated. Variants that disrupt the consensus splice site are a relatively common cause of aberrant splicing (PMID: 17576681, 9536098). In summary, the available evidence is currently insufficient to determine the role of this variant in disease. Therefore, it has been classified as a Variant of Uncertain Significance.

Literature cited by the submitters: PubMed 17576681; PubMed 9536098.